The following is an entry in ClinVar:

ClinVar aggregate classification (germline): Uncertain significance. Review status: criteria provided, multiple submitters, no conflicts (2 of 4 stars). 2 submissions from 2 submitters: Uncertain significance (2). Last evaluated 2023-03-17.

Conditions:
Intellectual disability. Also called: Intellectual functioning disability; intellectual disabilities; Intellectual developmental disorder. Identifiers: MedGen C3714756, MeSH D008607, MONDO:0001071, HP:0001249.
ASXL3-related disorder. Also called: ASXL3-related condition. Identifiers: MedGen CN381524.

Allele frequency attached by ClinVar (database versions not stated): TOPMed 0.00002; gnomAD exomes 0.00001; gnomAD 0.00004.
gnomAD v4.1: 29 of 1,613,818 alleles (0.0018%); highest among the groups gnomAD compares: African/African-American, 0.0027%; no homozygotes.

Submissions (2):

PreventionGenetics, part of Exact Sciences
Classification: Uncertain significance for ASXL3-related condition. Last evaluated: 2023-03-17. Review status: criteria provided, single submitter. Criteria: ACMG Guidelines, 2015. Collection method: clinical testing. Allele origin: germline.
Comment: The ASXL3 c.3382C>T variant is predicted to result in the amino acid substitution p.Arg1128Trp. To our knowledge, this variant has not been reported in the literature. This variant is reported in 0.0041% of alleles in individuals of African descent in gnomAD. An alternative substitution at the same amino acid (p.Arg1128Gln) has been reported in an individual with autism spectrum disorder (Additional file 6, Guo et al. 2018. PubMed ID: 30564305). At this time, the clinical significance of this variant is uncertain due to the absence of conclusive functional and genetic evidence.

Cambridge Genomics Laboratory, East Genomic Laboratory Hub, NHS Genomic Medicine Service
Classification: Uncertain significance for Intellectual disability. Last evaluated: 2019-11-11. Review status: criteria provided, single submitter. Criteria: ACGS Best Practice Guidelines for Variant Classification in Rare Disease 2020. Collection method: clinical testing. Allele origin: germline. Affected: yes. Observed: 1 variant allele.

NM_030632.3(ASXL3):c.3382C>T (p.Arg1128Trp)

Gene: ASXL3 (ASXL transcriptional regulator 3; plus strand). Cytogenetic location: 18q12.1.
Variant type: single nucleotide variant.
Coding change: c.3382C>T on transcript NM_030632.3 (MANE Select); coding-DNA position 3382, C replaced by T.
Protein change: p.Arg1128Trp; replaces arginine 1128 with tryptophan.
Molecular consequence: missense variant.
Genome position (GRCh38, 1-based): chr18:33,743,230, C>T. VCF-style: chr18-33743230-C-T. GRCh37 (hg19) VCF-style: chr18-31323194-C-T.
Other names: short protein forms R1128W.
Identifiers: ClinVar variation 2632112 (VCV002632112.2), dbSNP rs1224996800, ClinGen allele CA402185223.